The following is an entry in ClinVar:

NM_017415.3(KLHL3):c.*2485T>G

Gene: KLHL3 (kelch like family member 3; minus strand). Cytogenetic location: 5q31.2.
Variant type: single nucleotide variant.
Coding change: c.*2485T>G on transcript NM_017415.3 (MANE Select); 2485 bases downstream of the stop codon, T replaced by G.
Molecular consequence: 3 prime UTR variant.
Genome position (GRCh38, 1-based): chr5:137,619,613, A>C on the plus strand (T>G on the coding strand, the complement: KLHL3 is on the minus strand). VCF-style: chr5-137619613-A-C. GRCh37 (hg19) VCF-style: chr5-136955302-A-C.
Other names: c.*2485T>G (NM_001257194.1, NM_001257195.2).
Identifiers: ClinVar variation 350947 (VCV000350947.6), dbSNP rs573842978, ClinGen allele CA10622675.

ClinVar aggregate classification (germline): Benign (1 of 4 stars; one submission).

Conditions:
Pseudohypoaldosteronism type 2D (PHA2D). Also called: FAMILIAL HYPERKALEMIC HYPERTENSION; PSEUDOHYPOALDOSTERONISM, TYPE IID, AUTOSOMAL DOMINANT OR RECESSIVE; Pseudohypoaldosteronism Type IID. Identifiers: Orphanet 300525, Orphanet 757, MedGen C3469605, MONDO:0013781, OMIM 614495.

Allele frequency attached by ClinVar (database versions not stated): gnomAD 0.00014 and 0.00019; TOPMed 0.00032; 1000 Genomes Project 0.00040; 1000 Genomes Project 30x 0.00047.

Submission:

Illumina Laboratory Services, Illumina
Classification: Benign for Pseudohypoaldosteronism type 2D. Last evaluated: 2018-01-13. Review status: criteria provided, single submitter. Criteria: ICSL Variant Classification Criteria 13 December 2019. Collection method: clinical testing. Allele origin: germline.
Comment: This variant was observed in the ICSL laboratory as part of a predisposition screen in an ostensibly healthy population. It had not been previously curated by ICSL or reported in the Human Gene Mutation Database (HGMD: prior to June 1st, 2018), and was therefore a candidate for classification through an automated scoring system. Utilizing variant allele frequency, disease prevalence and penetrance estimates, and inheritance mode, an automated score was calculated to assess if this variant is too frequent to cause the disease. Based on the score and internal cut-off values, a variant classified as benign is not then subjected to further curation. The score for this variant resulted in a classification of benign for this disease.